The following is an entry in ClinVar:

NM_001142864.4(PIEZO1):c.3000C>A (p.Phe1000Leu)

Genes: HSALR1 (HSP90AB1 associated lncRNA 1; plus strand), PIEZO1 (piezo type mechanosensitive ion channel component 1 (Er blood group); minus strand). Cytogenetic location: 16q24.3.
Variant type: single nucleotide variant.
Coding change: c.3000C>A on transcript NM_001142864.4 (MANE Select); coding-DNA position 3000, C replaced by A.
Protein change: p.Phe1000Leu; replaces phenylalanine 1000 with leucine.
Molecular consequence: missense variant.
Genome position (GRCh38, 1-based): chr16:88,731,902, G>T on the plus strand (C>A on the coding strand, the complement: PIEZO1 is on the minus strand). VCF-style: chr16-88731902-G-T. GRCh37 (hg19) VCF-style: chr16-88798310-G-T.
Other names: p.Phe1000Leu; c.3000C>A, p.Phe1000Leu (LRG_1137t1); c.3000C>A (NM_001142864.2); short protein forms F1000L.
Identifiers: ClinVar variation 638427 (VCV000638427.26), dbSNP rs568280615, ClinGen allele CA8232586.
Genomic context (GRCh38, chr16:88,731,902, plus strand): 5'-GCAACCGTGCAGGGTCACCAGAAAGTTCATGCGCTGCCCGATCACGTTCACGGCCATCAG[G>T]AAGCAGATCTGGGGAGGGGAGAGGGCGGGGTGTGGGGATGCACTGAGTCTGGGGGGAGGG-3'
Protein context (NP_001136336.2, residues 990-1010): FFYKFGLEIC[Phe1000Leu]LMAVNVIGQR

ClinVar aggregate classification (germline): Uncertain significance. Review status: criteria provided, multiple submitters, no conflicts (2 of 4 stars). 6 submissions from 6 submitters: Uncertain significance (6). Last evaluated 2024-10-02.

Conditions:
Lymphatic malformation 6 (LMPHM6). Also called: GENERALIZED LYMPHATIC DYSPLASIA OF FOTIOU; Lymphedema, hereditary, III; PIEZO1-related generalized lymphatic dysplasia with non-immune hydrops fetalis. Identifiers: Orphanet 568062, MedGen C4225184, MONDO:0014797, OMIM 616843.

Allele frequency attached by ClinVar (database versions not stated): gnomAD 0.00021; TOPMed 0.00053.
gnomAD v4.1: 1,001 of 1,508,642 alleles (0.066%); highest among the groups gnomAD compares: Non-Finnish European, 0.081%; 1 homozygote.

Submissions (6):

Revvity Omics, Revvity
Classification: Uncertain significance. Last evaluated: 2024-10-02. Review status: criteria provided, single submitter. Criteria: ACMG Guidelines, 2015. Collection method: clinical testing. Allele origin: germline.

CeGaT Center for Human Genetics Tuebingen
Classification: Uncertain significance. Last evaluated: 2024-07-01. Review status: criteria provided, single submitter. Criteria: CeGaT Center For Human Genetics Tuebingen Variant Classification Criteria Version 2. Collection method: clinical testing. Allele origin: germline. Affected: yes. Observed: 1 variant allele.

Clinical Genomics Laboratory, Washington University in St. Louis
Classification: Uncertain significance for Lymphatic malformation 6. Last evaluated: 2024-06-12. Review status: criteria provided, single submitter. Criteria: ACMG Guidelines, 2015. Collection method: clinical testing. Allele origin: germline.
Comment: A PIEZO1 c.3000C>A (p.Phe1000Leu) variant was identified at a near heterozygous allelic fraction of 47.3%, a frequency which may be consistent with germline origin. This variant has been reported as a variant of uncertain significance in an individual with classical Ehlers-Danlos syndrome (Vandersteen AM et al., PMID: 37813462). It has been reported in the ClinVar database as a germline variant of uncertain significance by four submitters (Clinvar ID: 638427). The PIEZO1 c.3000C>A (p.Phe1000Leu) variant is observed on 1001/1,508,642 alleles in the general population, including one homozygous individual (gnomAD v.4.1.0). Computational predictors are uncertain as to the impact of this variant on PIEZO1 function. Due to limited information, and based on ACMG/AMP guidelines for variant interpretation (Richards S et al., PMID: 25741868), the clinical significance of this variant is uncertain at this time.

ARUP Laboratories, Molecular Genetics and Genomics, ARUP Laboratories
Classification: Uncertain significance. Last evaluated: 2023-05-05. Review status: criteria provided, single submitter. Criteria: ARUP Molecular Germline Variant Investigation Process 2024. Collection method: clinical testing. Allele origin: germline.

Mayo Clinic Laboratories, Mayo Clinic
Classification: Uncertain significance. Last evaluated: 2022-05-31. Review status: criteria provided, single submitter. Criteria: ACMG Guidelines, 2015. Collection method: clinical testing. Allele origin: germline. Observed: 1 variant allele.

Genomic Research Center, Shahid Beheshti University of Medical Sciences
Classification: Uncertain significance for Lymphedema, hereditary, III. Last evaluated: 2019-04-27. Review status: criteria provided, single submitter. Criteria: ACMG Guidelines, 2015. Collection method: clinical testing. Allele origin: unknown. Affected: no.